The following is an entry in ClinVar:

ClinVar aggregate classification (germline): Pathogenic. Review status: criteria provided, single submitter (1 of 4 stars). 2 submissions from 2 submitters: Pathogenic (1). 1 of the submissions does not count toward it. Last evaluated 2023-11-14.

Conditions:
Finnish congenital nephrotic syndrome (NPHS1). Also called: NEPHROTIC SYNDROME, TYPE 1. Identifiers: Orphanet 839, MedGen C0403399, MONDO:0009732, OMIM 256300.

Submissions (2):

Labcorp Genetics (formerly Invitae), Labcorp
Classification: Pathogenic. Last evaluated: 2023-11-14. Review status: criteria provided, single submitter. Criteria: Invitae Variant Classification Sherloc (09022015). Collection method: clinical testing. Allele origin: germline.
Comment: This sequence change creates a premature translational stop signal (p.Thr982Asnfs*36) in the NPHS1 gene. It is expected to result in an absent or disrupted protein product. Loss-of-function variants in NPHS1 are known to be pathogenic (PMID: 11317351, 11854170, 12039988). This variant is not present in population databases (gnomAD no frequency). This premature translational stop signal has been observed in individual(s) with nephrotic syndrome (PMID: 18503012, 28117080). ClinVar contains an entry for this variant (Variation ID: 56492). For these reasons, this variant has been classified as Pathogenic.

Juha Muilu Group; Institute for Molecular Medicine Finland (FIMM)
Classification: Likely pathogenic for Finnish congenital nephrotic syndrome. Review status: no assertion criteria provided. Collection method: not provided. Allele origin: unknown. Not counted in ClinVar's aggregate classification.
Comment: FinDis database variant: This variant was not found or characterized by our laboratory, data were collected from public sources: see reference
ClinVar note: Converted during submission from probable-pathogenic to Likely pathogenic.

Literature cited by the submitters: PubMed 11317351 (cited by Labcorp Genetics (formerly Invitae), Labcorp); PubMed 11854170 (cited by Labcorp Genetics (formerly Invitae), Labcorp); PubMed 12039988 (cited by Labcorp Genetics (formerly Invitae), Labcorp); PubMed 18503012 (cited by Labcorp Genetics (formerly Invitae), Labcorp); PubMed 28117080 (cited by Labcorp Genetics (formerly Invitae), Labcorp).

NM_004646.4(NPHS1):c.2944dup (p.Thr982fs)

Gene: NPHS1 (NPHS1 adhesion molecule, nephrin; minus strand). Cytogenetic location: 19q13.12.
Variant type: Duplication.
Coding change: c.2944dup on transcript NM_004646.4 (MANE Select); coding-DNA position 2944, one base duplicated (A; older notation c.2944dupA).
Protein change: p.Thr982fs; shifts the reading frame from threonine 982.
Molecular consequence: frameshift variant.
Genome position (GRCh38, 1-based): chr19:35,839,402, T duplicated on the plus strand (A on the coding strand, the reverse complement: NPHS1 is on the minus strand). VCF-style (leftmost placement, unchanged base first): chr19-35839401-G-GT. GRCh37 (hg19) VCF-style: chr19-36330303-G-GT.
Other names: c.2944dupA (NM_004646.3); short protein forms T982fs.
Identifiers: ClinVar variation 56492 (VCV000056492.5), dbSNP rs386833931, ClinGen allele CA250217.
Genomic context (GRCh38, chr19:35,839,401, plus strand): 5'-CCAGTCAGCGTGAAGGTGGTGGCCTGGGGTGGTACGACATCCACATAGTGGAACCCTGGA[G>GT]TCCCCAGGGCCTCATACCTGCAGGACAGGGGGATAGTAAATTCAGGGAAGTGCCCTAGCC-3'